The following is an entry in ClinVar:

NM_001035.3(RYR2):c.14704C>T (p.Pro4902Ser)

Gene: RYR2 (ryanodine receptor 2; plus strand). Cytogenetic location: 1q43.
Variant type: single nucleotide variant.
Coding change: c.14704C>T on transcript NM_001035.3 (MANE Select); coding-DNA position 14704, C replaced by T.
Protein change: p.Pro4902Ser; replaces proline 4902 with serine.
Molecular consequence: missense variant.
Genome position (GRCh38, 1-based): chr1:237,830,578, C>T. VCF-style: chr1-237830578-C-T. GRCh37 (hg19) VCF-style: chr1-237993878-C-T.
Other names: p.P4902S:CCA>TCA; c.14704C>T, p.Pro4902Ser (LRG_402t1); short protein forms P4902S.
Identifiers: ClinVar variation 201361 (VCV000201361.3), dbSNP rs794728808, ClinGen allele CA008352.

ClinVar aggregate classification (germline): Pathogenic/Likely pathogenic. Review status: criteria provided, multiple submitters, no conflicts (2 of 4 stars). 2 submissions from 2 submitters: Pathogenic (1); Likely pathogenic (1). Last evaluated 2019-01-16.

Conditions:
RYR2-related disorder. Also called: RYR2-related condition.

Submissions (2):

Blueprint Genetics
Classification: Likely pathogenic for RYR2-related disorders. Last evaluated: 2019-01-16. Review status: criteria provided, single submitter. Criteria: ACMG Guidelines, 2015. Collection method: clinical testing. Allele origin: germline. Affected: yes. Observed: 1 variant allele.

GeneDx
Classification: Pathogenic. Last evaluated: 2012-08-07. Review status: criteria provided, single submitter. Criteria: GeneDx Variant Classification (06012015). Collection method: clinical testing. Allele origin: germline. Affected: yes.
Comment: p.Pro4902Ser (CCA>TCA):c.14704 C>T in exon 103 of the RYR2 gene (NM_001035.2). The Pro4902Ser mutation has been reported in association with CPVT. Multiple other affected individuals in the family tested positive for the mutation, and there was a family history of sudden death. However, there were also individuals in the family with Pro4902Ser who were asymptomatic, leading the authors to conclude that this mutation may have partial penetrance. The Pro4902Ser mutation occurs in the transmembrane domain of the protein, one of the mutation hotspots of RYR2. Specifically, another mutation affecting the same residue (Pro4902Leu) and mutations in surrounding residues (Asn4895Asp, Gly4935Arg) have been reported in association with CPVT. Furthermore, the NHLBI ESP Exome Variant Server reports Pro4902Ser was not observed in approximately 5,600 samples from individuals of European and African American backgrounds, indicating it is not a common benign variant in these populations. In summary, Pro4902Ser is interpreted as a disease-causing mutation. The variant is found in CPVT panel(s).